The following is an entry in ClinVar:

NM_001354930.2(RIPK1):c.187G>T (p.Glu63Ter)

Gene: RIPK1 (receptor interacting serine/threonine kinase 1; plus strand). Cytogenetic location: 6p25.2.
Variant type: single nucleotide variant.
Coding change: c.187G>T on transcript NM_001354930.2 (MANE Select); coding-DNA position 187, G replaced by T.
Protein change: p.Glu63Ter; replaces glutamic acid 63 with a stop codon.
Molecular consequence: nonsense. On other transcripts: 5 prime UTR variant (4).
Genome position (GRCh38, 1-based): chr6:3,077,801, G>T. VCF-style: chr6-3077801-G-T. GRCh37 (hg19) VCF-style: chr6-3078035-G-T.
Other names: c.-417G>T (NM_001317061.3, NM_001354932.2, NM_001354933.2 and 1 more transcripts); c.187G>T, p.Glu63Ter (NM_001354931.2, NM_003804.6); short protein forms E63*.
Identifiers: ClinVar variation 1424981 (VCV001424981.6), dbSNP rs1759158249, ClinGen allele CA362574174.

ClinVar aggregate classification (germline): Pathogenic (1 of 4 stars; one submission).

Submission:

Labcorp Genetics (formerly Invitae), Labcorp
Classification: Pathogenic. Last evaluated: 2023-04-12. Review status: criteria provided, single submitter. Criteria: Invitae Variant Classification Sherloc (09022015). Collection method: clinical testing. Allele origin: germline.
Comment: This variant has not been reported in the literature in individuals affected with RIPK1-related conditions. This variant is not present in population databases (gnomAD no frequency). This sequence change creates a premature translational stop signal (p.Glu63*) in the RIPK1 gene. It is expected to result in an absent or disrupted protein product. Loss-of-function variants in RIPK1 are known to be pathogenic (PMID: 31213653). ClinVar contains an entry for this variant (Variation ID: 1424981). For these reasons, this variant has been classified as Pathogenic.

Literature cited by the submitters: PubMed 31213653.